The following is an entry in ClinVar:

NM_001369.3(DNAH5):c.12852C>G (p.Tyr4284Ter)

Gene: DNAH5 (dynein axonemal heavy chain 5; minus strand). Cytogenetic location: 5p15.2.
Variant type: single nucleotide variant.
Coding change: c.12852C>G on transcript NM_001369.3 (MANE Select); coding-DNA position 12852, C replaced by G.
Protein change: p.Tyr4284Ter; replaces tyrosine 4284 with a stop codon.
Molecular consequence: nonsense.
Genome position (GRCh38, 1-based): chr5:13,716,544, G>C on the plus strand (C>G on the coding strand, the complement: DNAH5 is on the minus strand). VCF-style: chr5-13716544-G-C. GRCh37 (hg19) VCF-style: chr5-13716653-G-C.
Other names: short protein forms Y4284*.
Identifiers: ClinVar variation 4969464 (VCV004969464.2).

ClinVar aggregate classification (germline): Pathogenic/Likely pathogenic. Review status: criteria provided, multiple submitters, no conflicts (2 of 4 stars). 2 submissions from 2 submitters: Pathogenic (1); Likely pathogenic (1). Last evaluated 2026-01-20.

Conditions:
Primary ciliary dyskinesia 3. Identifiers: Orphanet 244, MedGen C1837618, MONDO:0012085, OMIM 608644.
DNAH5-related disorders.

gnomAD v4.1: 1 of 1,613,896 alleles (0.000062%); highest among the groups gnomAD compares: Non-Finnish European, 0.000085%; no homozygotes.

Submissions (2):

Myriad Genetics, Inc.
Classification: Pathogenic for Primary ciliary dyskinesia 3. Last evaluated: 2026-01-20. Review status: criteria provided, single submitter. Criteria: Myriad Autosomal Dominant, Autosomal Recessive and X-Linked Classification Criteria (2023). Collection method: clinical testing. Allele origin: unknown.
Comment: NM_001369.2(DNAH5):c.12852C>G(Y4284*) is expected to be pathogenic in the context of primary ciliary dyskinesia, DNAH5-related. This variant is predicted to lead to an abnormal or absent protein product due to the creation of a premature termination codon in DNAH5, a gene where loss-of-function variants are known to be pathogenic. Please note: this variant was assessed in the context of healthy population screening.

Blueprint Genetics
Classification: Likely pathogenic for DNAH5-related disorders. Last evaluated: 2023-06-29. Review status: criteria provided, single submitter. Criteria: ACMG Guidelines, 2015. Collection method: clinical testing. Allele origin: germline. Affected: yes. Observed: 1 variant allele.